The following is an entry in ClinVar:

ClinVar aggregate classification (germline): Pathogenic. Review status: reviewed by expert panel (3 of 4 stars). 11 submissions from 10 submitters: Pathogenic (1). 10 of the submissions do not count toward it. Last evaluated 2023-11-14.

Conditions:
Severe combined immunodeficiency, autosomal recessive, T cell-negative, B cell-negative, NK cell-positive. Also called: SCID, AR, T-cell negative, B-cell negative, NK cell-positive; Severe combined immunodeficiency due to complete RAG1/2 deficiency; SCID, T CELL-NEGATIVE, B CELL-NEGATIVE, NK CELL-POSITIVE. Identifiers: Orphanet 331206, MedGen C1832322, MONDO:0011086, OMIM 601457.
Recombinase activating gene 2 deficiency. Also called: RAG2 deficiency. Identifiers: MedGen CN257931, MONDO:0000573.
Inborn error of immunity. Also called: Primary immunodeficiency; Inborn errors of immunity. Identifiers: Orphanet 101997, MedGen C0398686, MONDO:0003778.
Histiocytic medullary reticulosis. Also called: SEVERE COMBINED IMMUNODEFICIENCY WITH HYPEREOSINOPHILIA; Omenn syndrome. Identifiers: Orphanet 39041, MedGen C2700553, MONDO:0011338, OMIM 603554.
Combined immunodeficiency with skin granulomas. Identifiers: Orphanet 157949, MedGen C2673536, MONDO:0009306, OMIM 233650.
Severe combined immunodeficiency, B cell-negative. Identifiers: MedGen C1867362.

Allele frequency attached by ClinVar (database versions not stated): TOPMed 0.00002.
gnomAD v4.1: 34 of 1,613,866 alleles (0.0021%); highest among the groups gnomAD compares: African/African-American, 0.004%; no homozygotes.

Submissions (11):

ClinGen Severe Combined Immunodeficiency Variant Curation Expert Panel, ClinGen
Classification: Pathogenic for Recombinase activating gene 2 deficiency. Last evaluated: 2023-11-14. Review status: reviewed by expert panel. Criteria: ClinGen SCID ACMG Specifications RAG2 V1.0.0. Collection method: curation. Allele origin: germline. Inheritance: Autosomal recessive inheritance.
Comment: The c.686G>A (NM_000536.4) variant in RAG2 is a missense variant predicted to cause the substitution of arginine by glycine at amino acid 229 (p.Arg229Gln). The filtering allele frequency (the upper threshold of the 95% CI of 2/113660) of the c.686G>A variant in RAG2 is 0.000002920 for European (non-Finnish) chromosomes by gnomAD v2.1.1, which is lower than the ClinGen SCID VCEP threshold (<0.0000588) for PM2_Supporting, and therefore meets this criterion (PM2_Supporting). This variant resides within a region, amino acids 1-383, of RAG2 that is defined as a critical functional domain by the ClinGen SCID VCEP (PMID: 26996199) (PM1_Supporting). At least one patient with this variant displayed: Diagnostic criteria for SCID/Leaky SCID/Omenn syndrome met (0.5pt) + T-B-NK+ lymphocyte subset profile (0.5pt) total 1 pt, which is highly specific for SCID (PP4, PMID: 30307608). The variant showed disrupted V(D)J recombination activity at 8.9% of WT-RAG2 (PMID: 29772310). Additionally, an animal model homozygous for the variant recapitulates most phenotypes associated with OS (PMID: 17476358) (PS3). The variant has been reported to segregate with SCID in 02 affected siblings from one family (Proband + one) (PP1_Supporting; PMID: 30307608). Five patients (14–18) were homozygous for the variant (reaching the maximum 1 pt) PM3_Moderate (PMID: 30307608). In summary, this variant meets the criteria to be classified as pathogenic for AR SCID. ACMG/AMP criteria applied, as specified by the ClinGen SCID VCEP: PM2_Supporting, PP4, PM3_Moderate, PS3, PP1, and PM1_Supporting. (VCEP specifications version 1).

Labcorp Genetics (formerly Invitae), Labcorp
Classification: Pathogenic for Combined immunodeficiency with skin granulomas; Severe combined immunodeficiency, autosomal recessive, T cell-negative, B cell-negative, NK cell-positive. Last evaluated: 2025-12-17. Review status: criteria provided, single submitter. Criteria: Invitae Variant Classification Sherloc (09022015). Collection method: clinical testing. Allele origin: germline. Not counted in ClinVar's aggregate classification.
Comment: This sequence change replaces arginine, which is basic and polar, with glutamine, which is neutral and polar, at codon 229 of the RAG2 protein (p.Arg229Gln). This variant is present in population databases (rs121917894, gnomAD 0.002%). This missense change has been observed in individuals with RAG2-related disease (PMID: 11133745, 11313270, 30307608). ClinVar contains an entry for this variant (Variation ID: 13130). Invitae Evidence Modeling of protein sequence and biophysical properties (such as structural, functional, and spatial information, amino acid conservation, physicochemical variation, residue mobility, and thermodynamic stability) indicates that this missense variant is expected to disrupt RAG2 protein function with a positive predictive value of 95%. Experimental studies have shown that this missense change affects RAG2 function (PMID: 8810255, 11313270). This variant disrupts the p.Arg229 amino acid residue in RAG2. Other variant(s) that disrupt this residue have been determined to be pathogenic (PMID: 11133745, 15025726, 16960852, 28747913). This suggests that this residue is clinically significant, and that variants that disrupt this residue are likely to be disease-causing. For these reasons, this variant has been classified as Pathogenic.

Rady Children's Institute for Genomic Medicine, Rady Children's Hospital San Diego
Classification: Pathogenic for RAG2 deficiency. Last evaluated: 2025-07-04. Review status: criteria provided, single submitter. Criteria: ACMG Guidelines, 2015. Collection method: clinical testing. Allele origin: germline. Affected: yes. Not counted in ClinVar's aggregate classification.
Comment: This variant has been previously reported as a compound heterozygous and homozygous change in patients with severe combined immunodeficiency and Omenn Syndrome (PMID: 8810255, 10552957, 30307608, 32655540). Experimental studies suggest that this variant results in reduced recombination activity and a knock-in mouse model of this variant recapitulates the disease phenotype observed in humans (PMID: 29772310, 26926994). The c.686G>A (p.Arg229Gln) variant is present in the latest version of the gnomAD population database at an allele frequency of 0.002% (34/1613866), and is absent in the homozygous state, thus is presumed to be rare. Based on the available evidence, c.686G>A (p.Arg229Gln) is classified as Pathogenic.

Natera, Inc.
Classification: Pathogenic for Omenn syndrome. Last evaluated: 2025-06-02. Review status: criteria provided, single submitter. Criteria: Natera Variant Classification Schema (03/2026). Collection method: clinical testing. Allele origin: germline. Not counted in ClinVar's aggregate classification.
Comment: The c.686G>A variant in RAG2 is a missense variant predicted to cause substitution of arginine to glutamine at amino acid 229. This variant is rare in the general population with a frequency below the threshold expected for the associated phenotype(s). This variant has been observed in one or more individuals affected with the associated recessive disease, as either homozygous or compound heterozygous with a second variant (PMID: 8810255, 30307608, 32655540). Functional studies show that this variant may disrupt protein function (PMID: 24052573, 11313270, 29772310). A different variant at the same position has been determined to be Pathogenic or Likely Pathogenic. Computational prediction algorithms indicate this variant is likely to affect gene or protein function. Given the available evidence, this variant is classified as Pathogenic.

3billion
Classification: Pathogenic for Severe combined immunodeficiency, autosomal recessive, T cell-negative, B cell-negative, NK cell-positive. Last evaluated: 2025-03-21. Review status: criteria provided, single submitter. Criteria: ACMG Guidelines, 2015. Collection method: clinical testing. Allele origin: germline. Affected: yes. Not counted in ClinVar's aggregate classification.
Comment: The variant is observed at an extremely low frequency in the gnomAD v4.1.0 dataset (total allele frequency: 0.002%). Predicted Consequence/Location: Missense variant The variant was homozygous. In silico tool predictions suggest damaging effect of the variant on gene or gene product [REVEL: 0.96 (>=0.6, sensitivity 0.68 and specificity 0.92); 3Cnet: 0.99 (> 0.75, sensitivity 0.96 and precision 0.92)]. The same nucleotide change resulting in the same amino acid change has been previously reported as pathogenic/likely pathogenic with strong evidence (ClinVar ID: VCV000013130 / PMID: 8810255). Different missense changes at the same codon (p.Arg229Leu, p.Arg229Pro, p.Arg229Trp) have been reported as pathogenic/likely pathogenic with strong evidence (ClinVar ID: VCV000496624, VCV001029904, VCV001483301 / PMID: 11133745, 24144642, 36279417). Therefore, this variant is classified as Pathogenic according to the recommendation of ACMG/AMP guideline.

Fulgent Genetics
Classification: Pathogenic for Combined immunodeficiency with skin granulomas; Severe combined immunodeficiency, autosomal recessive, T cell-negative, B cell-negative, NK cell-positive; Histiocytic medullary reticulosis. Last evaluated: 2024-05-29. Review status: criteria provided, single submitter. Criteria: ACMG Guidelines, 2015. Collection method: clinical testing. Allele origin: germline. Not counted in ClinVar's aggregate classification.

Baylor Genetics
Classification: Pathogenic for Combined immunodeficiency with skin granulomas. Last evaluated: 2024-03-25. Review status: criteria provided, single submitter. Criteria: ACMG Guidelines, 2015. Collection method: clinical testing. Allele origin: unknown. Not counted in ClinVar's aggregate classification.

Kariminejad - Najmabadi Pathology & Genetics Center
Classification: Likely pathogenic. Last evaluated: 2021-07-10. Review status: criteria provided, single submitter. Criteria: ACMG Guidelines, 2015. Collection method: clinical testing. Allele origin: germline. Not counted in ClinVar's aggregate classification.

Pediatric Immunology Service, The Chaim Sheba Medical Center at Tel HaShomer
Classification: Uncertain significance for RAG2 deficiency; Primary immunodeficiency; Omenn syndrome; Severe combined immunodeficiency due to complete RAG1/2 deficiency. Last evaluated: 2018-03-06. Review status: criteria provided, single submitter. Criteria: ACMG Guidelines, 2015. Collection method: research. Allele origin: germline. Affected: yes. Not counted in ClinVar's aggregate classification.

OMIM
Classification: Pathogenic for SEVERE COMBINED IMMUNODEFICIENCY, B CELL-NEGATIVE. Last evaluated: 2001-05-01. Review status: no assertion criteria provided. Collection method: literature only. Allele origin: germline. Not counted in ClinVar's aggregate classification.

OMIM
Classification: Pathogenic for OMENN SYNDROME. Last evaluated: 2001-05-01. Review status: no assertion criteria provided. Collection method: literature only. Allele origin: germline. Not counted in ClinVar's aggregate classification.

Literature cited by the submitters: PubMed 17476358 (cited by ClinGen Severe Combined Immunodeficiency Variant Curation Expert Panel, ClinGen); PubMed 11133745 (cited by 3 submitters); PubMed 11313270 (cited by 4 submitters); PubMed 30307608 (cited by 3 submitters); PubMed 8810255 (cited by 6 submitters); PubMed 15025726 (cited by Labcorp Genetics (formerly Invitae), Labcorp); PubMed 16960852 (cited by Labcorp Genetics (formerly Invitae), Labcorp); PubMed 28747913 (cited by Labcorp Genetics (formerly Invitae), Labcorp); PubMed 10552957 (cited by Rady Children's Institute for Genomic Medicine, Rady Children's Hospital San Diego); PubMed 29772310 (cited by Rady Children's Institute for Genomic Medicine, Rady Children's Hospital San Diego and Natera, Inc.); PubMed 32655540 (cited by Rady Children's Institute for Genomic Medicine, Rady Children's Hospital San Diego and Natera, Inc.); PubMed 24052573 (cited by Natera, Inc.); PubMed 10777560 (cited by Pediatric Immunology Service, The Chaim Sheba Medical Center at Tel HaShomer); PubMed 25869295 (cited by Pediatric Immunology Service, The Chaim Sheba Medical Center at Tel HaShomer); PubMed 19414857 (cited by Pediatric Immunology Service, The Chaim Sheba Medical Center at Tel HaShomer).

NM_000536.4(RAG2):c.686G>A (p.Arg229Gln)

Gene: RAG2 (recombination activating 2; minus strand). Cytogenetic location: 11p12.
Variant type: single nucleotide variant.
Coding change: c.686G>A on transcript NM_000536.4 (MANE Select); coding-DNA position 686, G replaced by A.
Protein change: p.Arg229Gln; replaces arginine 229 with glutamine.
Molecular consequence: missense variant.
Genome position (GRCh38, 1-based): chr11:36,593,483, C>T on the plus strand (G>A on the coding strand, the complement: RAG2 is on the minus strand). VCF-style: chr11-36593483-C-T. GRCh37 (hg19) VCF-style: chr11-36615033-C-T.
Other names: NM_000536.4(RAG2):c.686G>A; c.686G>A, p.Arg229Gln (NM_001243785.2, NM_001243786.2); short protein forms R229Q.
Identifiers: ClinVar variation 13130 (VCV000013130.39), dbSNP rs121917894, ClinGen allele CA122854.